The following is an entry in ClinVar:

ClinVar aggregate classification (germline): Uncertain significance (1 of 4 stars; one submission).

Submission:

Ambry Genetics
Classification: Uncertain significance. Last evaluated: 2023-04-27. Review status: criteria provided, single submitter. Criteria: Ambry Variant Classification Scheme 2023. Collection method: clinical testing. Allele origin: germline.
Comment: The p.Y290C variant (also known as c.869A>G), located in coding exon 10 of the PRKDC gene, results from an A to G substitution at nucleotide position 869. The tyrosine at codon 290 is replaced by cysteine, an amino acid with highly dissimilar properties. This amino acid position is conserved. In addition, the in silico prediction for this alteration is inconclusive. Since supporting evidence is limited at this time, the clinical significance of this alteration remains unclear.

NM_006904.7(PRKDC):c.869A>G (p.Tyr290Cys)

Gene: PRKDC (protein kinase, DNA-activated, catalytic subunit; minus strand). Cytogenetic location: 8q11.21.
Variant type: single nucleotide variant.
Coding change: c.869A>G on transcript NM_006904.7 (MANE Select); coding-DNA position 869, A replaced by G.
Protein change: p.Tyr290Cys; replaces tyrosine 290 with cysteine.
Molecular consequence: missense variant.
Genome position (GRCh38, 1-based): chr8:47,943,306, T>C on the plus strand (A>G on the coding strand, the complement: PRKDC is on the minus strand). VCF-style: chr8-47943306-T-C. GRCh37 (hg19) VCF-style: chr8-48855866-T-C.
Other names: c.869A>G, p.Tyr290Cys (NM_001081640.2); short protein forms Y290C.
Identifiers: ClinVar variation 2564538 (VCV002564538.2), dbSNP rs2551880625, ClinGen allele CA371136195.
Genomic context (GRCh38, chr8:47,943,306, plus strand): 5'-TTTTTCAATTCTACATTTGTGTGGGCACACCACTTTAACAAGACTTCAAATAGAGACACG[T>C]AGTTGTCCAGAAGGCAGGTGCTAAACTGAGATGCATGCAGGGCAAATAGGCGCAAGCCAG-3'
Protein context (NP_008835.5, residues 280-300): SQFSTCLLDN[Tyr290Cys]VSLFEVLLKW